The following is an entry in ClinVar:

ClinVar aggregate classification (germline): Benign. Review status: criteria provided, multiple submitters, no conflicts (2 of 4 stars). 3 submissions from 2 submitters: Benign (2). 1 of the submissions does not count toward it. Last evaluated 2018-06-01.

Submissions (3):

GeneDx
Classification: Benign. Last evaluated: 2018-06-01. Review status: criteria provided, single submitter. Criteria: GeneDx Variant Classification Process June 2021. Collection method: clinical testing. Allele origin: germline. Affected: yes.

Eurofins Ntd Llc (ga)
Classification: Benign. Last evaluated: 2016-08-17. Review status: criteria provided, single submitter. Criteria: EGL Classification Definitions 2015. Collection method: clinical testing. Allele origin: germline. Observed: 1 variant allele, 1 homozygote.

GeneDx
Classification: Benign. Last evaluated: 2015-03-03. Review status: flagged submission. Criteria: GeneDx Variant Classification Process June 2021. Collection method: clinical testing. Allele origin: germline. Affected: yes. Not counted in ClinVar's aggregate classification.
ClinVar note: Reason: This record appears to be redundant with a more recent record from the same submitter.
ClinVar note: Notes: SCV001891193 appears to be redundant with SCV000730490.

NM_003383.5(VLDLR):c.-42GGC[5]

Genes: VLDLR (very low density lipoprotein receptor; plus strand), VLDLR-AS1 (VLDLR antisense RNA 1; minus strand). Cytogenetic location: 9p24.2.
Variant type: Microsatellite.
Coding change: c.-42GGC[5] on transcript NM_003383.5 (MANE Select); five copies in a row of the 3-base unit GGC starting at c.-42; the reference has eight copies in a row; three copies, 9 bases deleted.
Molecular consequence: 5 prime UTR variant. On other transcripts: non-coding transcript variant (1).
Genome position (GRCh38, 1-based): chr9:2,622,163-2,622,171, GGCGGCGGC deleted; deleting any 9 consecutive bases within chr9:2,622,147-2,622,171 gives the same sequence; the position shown is the placement nearest the transcript's 3' end. VCF-style (leftmost placement, unchanged base first): chr9-2622146-ACGGCGGCGG-A. GRCh37 (hg19) VCF-style: chr9-2622146-ACGGCGGCGG-A.
Other names: c.-42GGC[5] (NM_001018056.3, NM_001322225.2, NM_001322226.2).
Identifiers: ClinVar variation 290493 (VCV000290493.12), dbSNP rs71329437, ClinGen allele CA4964374.